The following is an entry in ClinVar:

NM_001009944.3(PKD1):c.1401G>C (p.Trp467Cys)

Gene: PKD1 (polycystin 1, transient receptor potential channel interacting; minus strand). Cytogenetic location: 16p13.3.
Variant type: single nucleotide variant.
Coding change: c.1401G>C on transcript NM_001009944.3 (MANE Select); coding-DNA position 1401, G replaced by C.
Protein change: p.Trp467Cys; replaces tryptophan 467 with cysteine.
Molecular consequence: missense variant.
Genome position (GRCh38, 1-based): chr16:2,117,038, C>G on the plus strand (G>C on the coding strand, the complement: PKD1 is on the minus strand). VCF-style: chr16-2117038-C-G. GRCh37 (hg19) VCF-style: chr16-2167039-C-G.
Other names: c.1401G>C, p.Trp467Cys (NM_000296.4); short protein forms W467C.
Identifiers: ClinVar variation 3765777 (VCV003765777.3).

ClinVar aggregate classification (germline): Uncertain significance. Review status: criteria provided, multiple submitters, no conflicts (2 of 4 stars). 2 submissions from 2 submitters: Uncertain significance (2). Last evaluated 2026-06-02.

Submissions (2):

Women's Health and Genetics/Laboratory Corporation of America, LabCorp
Classification: Uncertain significance. Last evaluated: 2026-06-02. Review status: criteria provided, single submitter. Criteria: LabCorp Variant Classification Summary - May 2015. Collection method: clinical testing. Allele origin: germline.
Comment: Variant summary: PKD1 c.1401G>C (p.Trp467Cys) results in a non-conservative amino acid change in the encoded protein sequence. Algorithms developed to predict the effect of missense changes on protein structure and function all suggest that this variant is likely to be disruptive. The frequency data for this variant in gnomAD is considered unreliable, as metrics indicate poor data quality at this position. c.1401G>C has been observed in an individual(s) affected with autosomal dominant polycystic kidney disease (external data). These data do not allow any conclusion about variant significance. To our knowledge, no experimental evidence demonstrating an impact on protein function has been reported. ClinVar contains an entry for this variant (Variation ID: 3765777). Based on the evidence outlined above, the variant was classified as uncertain significance.

Greenwood Genetic Center Diagnostic Laboratories, Greenwood Genetic Center
Classification: Uncertain significance. Last evaluated: 2024-11-19. Review status: criteria provided, single submitter. Criteria: ACMG Guidelines, 2015. Collection method: clinical testing. Allele origin: germline. Affected: yes.
Comment: PM2, PP3, PP4